The following is an entry in ClinVar:

NM_001242896.3(DEPDC5):c.4216C>T (p.His1406Tyr)

Gene: DEPDC5 (DEP domain containing 5, GATOR1 subcomplex subunit; plus strand). Cytogenetic location: 22q12.3.
Variant type: single nucleotide variant.
Coding change: c.4216C>T on transcript NM_001242896.3 (MANE Select); coding-DNA position 4216, C replaced by T.
Protein change: p.His1406Tyr; replaces histidine 1406 with tyrosine.
Molecular consequence: missense variant. On other transcripts: non-coding transcript variant (5).
Genome position (GRCh38, 1-based): chr22:31,897,494, C>T. VCF-style: chr22-31897494-C-T. GRCh37 (hg19) VCF-style: chr22-32293480-C-T.
Other names: c.4189C>T, p.His1397Tyr (NM_001136029.4); c.3916C>T, p.His1306Tyr (NM_001242897.2); c.4150C>T, p.His1384Tyr (NM_001363852.2, NM_001364320.2); c.3982C>T, p.His1328Tyr (NM_001363854.2, NM_001364319.2); c.4216C>T, p.His1406Tyr (NM_001364318.2); c.4132C>T, p.His1378Tyr (NM_001369901.1, NM_001369902.1); c.4123C>T, p.His1375Tyr (NM_001369903.1, NM_014662.6); short protein forms H1328Y, H1397Y, H1406Y, H1375Y, H1378Y, H1306Y, H1384Y.
Identifiers: ClinVar variation 1738779 (VCV001738779.2), dbSNP rs2093574484, ClinGen allele CA411288032.

ClinVar aggregate classification (germline): Uncertain significance (1 of 4 stars; one submission).

Conditions:
Inborn genetic diseases. Identifiers: MedGen C0950123, MeSH D030342.

Submission:

Ambry Genetics
Classification: Uncertain significance for Inborn genetic diseases. Last evaluated: 2018-06-20. Review status: criteria provided, single submitter. Criteria: Ambry Variant Classification Scheme 2023. Collection method: clinical testing. Allele origin: germline.
Comment: The p.H1406Y variant (also known as c.4216C>T), located in coding exon 39 of the DEPDC5 gene, results from a C to T substitution at nucleotide position 4216. The histidine at codon 1406 is replaced by tyrosine, an amino acid with similar properties. This amino acid position is highly conserved in available vertebrate species. In addition, this alteration is predicted to be tolerated by in silico analysis. Since supporting evidence is limited at this time, the clinical significance of this alteration remains unclear.